The following is an entry in ClinVar:

ClinVar aggregate classification (germline): Likely benign. Review status: criteria provided, multiple submitters, no conflicts (2 of 4 stars). 2 submissions from 2 submitters: Likely benign (2). Last evaluated 2025-01-22.

Conditions:
FTSJ1-related disorder. Also called: FTSJ1-related condition.

Allele frequency attached by ClinVar (database versions not stated): gnomAD 0.00002; gnomAD exomes 0.00002; ExAC 0.00003; TOPMed 0.00004.
gnomAD v4.1: 35 of 1,203,141 alleles (0.0029%); highest among the groups gnomAD compares: Non-Finnish European, 0.0037%; no homozygotes.

Submissions (2):

PreventionGenetics, part of Exact Sciences
Classification: Likely benign for FTSJ1-related condition. Last evaluated: 2025-01-22. Review status: criteria provided, single submitter. Criteria: ACMG Guidelines, 2015. Collection method: clinical testing. Allele origin: germline.
Comment: This variant is classified as likely benign based on ACMG/AMP sequence variant interpretation guidelines (Richards et al. 2015 PMID: 25741868, with internal and published modifications).

Labcorp Genetics (formerly Invitae), Labcorp
Classification: Likely benign. Last evaluated: 2019-12-31. Review status: criteria provided, single submitter. Criteria: Invitae Variant Classification Sherloc (09022015). Collection method: clinical testing. Allele origin: germline.

NM_012280.4(FTSJ1):c.121+9C>G

Gene: FTSJ1 (FtsJ RNA 2'-O-methyltransferase 1; plus strand). Cytogenetic location: Xp11.23.
Variant type: single nucleotide variant.
Coding change: c.121+9C>G on transcript NM_012280.4 (MANE Select); 9 bases into the intron after coding-DNA position 121, C replaced by G.
Molecular consequence: intron variant.
Genome position (GRCh38, 1-based): chrX:48,478,177, C>G. VCF-style: chrX-48478177-C-G. GRCh37 (hg19) VCF-style: chrX-48336565-C-G.
Other names: c.121+9C>G (NM_001441199.1, NM_001441195.1, NM_177439.3 and 4 more transcripts); c.-76-861C>G (NM_001282157.2).
Identifiers: ClinVar variation 723572 (VCV000723572.5), dbSNP rs782527677, ClinGen allele CA10402472.